The following is an entry in ClinVar:

ClinVar aggregate classification (germline): Likely pathogenic (1 of 4 stars; one submission).

Submission:

GeneDx
Classification: Likely pathogenic. Last evaluated: 2021-04-14. Review status: criteria provided, single submitter. Criteria: GeneDx Variant Classification Process June 2021. Collection method: clinical testing. Allele origin: germline. Affected: yes.
Comment: Frameshift variant predicted to result in protein truncation or nonsense mediated decay in a gene for which loss-of-function is a known mechanism of disease; Not observed in large population cohorts (Lek et al., 2016); Has not been previously published as pathogenic or benign to our knowledge

NM_001123385.2(BCOR):c.3646_3647del (p.Glu1216fs)

Gene: BCOR (BCL6 corepressor; minus strand). Cytogenetic location: Xp11.4.
Variant type: Microsatellite.
Coding change: c.3646_3647del on transcript NM_001123385.2 (MANE Select); coding-DNA positions 3646 to 3647, 2 bases deleted (GA; older notation c.3646_3647delGA).
Protein change: p.Glu1216fs; shifts the reading frame from glutamic acid 1216.
Molecular consequence: frameshift variant.
Genome position (GRCh38, 1-based): chrX:40,063,808-40,063,809, TC deleted on the plus strand (GA on the coding strand, the reverse complement: BCOR is on the minus strand); deleting any 2 consecutive bases within chrX:40,063,808-40,063,812 gives the same sequence; the c. name uses the placement nearest the transcript's 3' end. VCF-style (leftmost placement, unchanged base first): chrX-40063807-TTC-T. GRCh37 (hg19) VCF-style: chrX-39923060-TTC-T.
Other names: c.3544_3545delGA (NM_017745.5); c.3541_3542AG[1], p.Glu1182Thrfs (NM_001123383.2); c.3490_3491del, p.Glu1164fs (NM_001123384.2); c.3544_3545del, p.Glu1182fs (NM_017745.6); short protein forms E1216fs, E1182fs, E1164fs.
Identifiers: ClinVar variation 429451 (VCV000429451.3), dbSNP rs1131691389, ClinGen allele CA645369804.